The following is an entry in ClinVar:

ClinVar aggregate classification (germline): Uncertain significance (1 of 4 stars; one submission).

Allele frequency attached by ClinVar (database versions not stated): gnomAD exomes below 0.00001 and 0.00001; TOPMed below 0.00001.
gnomAD v4.1: 7 of 1,613,894 alleles (0.00043%); highest among the groups gnomAD compares: Non-Finnish European, 0.00059%; no homozygotes.

Submission:

Labcorp Genetics (formerly Invitae), Labcorp
Classification: Uncertain significance. Last evaluated: 2025-04-16. Review status: criteria provided, single submitter. Criteria: Invitae Variant Classification Sherloc (09022015). Collection method: clinical testing. Allele origin: germline.
Comment: This sequence change replaces serine, which is neutral and polar, with proline, which is neutral and non-polar, at codon 222 of the FLVCR1 protein (p.Ser222Pro). This variant is present in population databases (no rsID available, gnomAD 0.0009%). This variant has not been reported in the literature in individuals affected with FLVCR1-related conditions. ClinVar contains an entry for this variant (Variation ID: 1513568). Invitae Evidence Modeling of protein sequence and biophysical properties (such as structural, functional, and spatial information, amino acid conservation, physicochemical variation, residue mobility, and thermodynamic stability) indicates that this missense variant is not expected to disrupt FLVCR1 protein function with a negative predictive value of 80%. In summary, the available evidence is currently insufficient to determine the role of this variant in disease. Therefore, it has been classified as a Variant of Uncertain Significance.

NM_014053.4(FLVCR1):c.664T>C (p.Ser222Pro)

Gene: FLVCR1 (FLVCR choline and heme transporter 1; plus strand). Cytogenetic location: 1q32.3.
Variant type: single nucleotide variant.
Coding change: c.664T>C on transcript NM_014053.4 (MANE Select); coding-DNA position 664, T replaced by C.
Protein change: p.Ser222Pro; replaces serine 222 with proline.
Molecular consequence: missense variant.
Genome position (GRCh38, 1-based): chr1:212,859,116, T>C. VCF-style: chr1-212859116-T-C. GRCh37 (hg19) VCF-style: chr1-213032458-T-C.
Other names: short protein forms S222P.
Identifiers: ClinVar variation 1513568 (VCV001513568.6), dbSNP rs1176827187, ClinGen allele CA344797406.